The following is an entry in ClinVar:

NM_002485.5(NBN):c.1690del (p.Glu564fs)

Gene: NBN (nibrin; minus strand). Cytogenetic location: 8q21.3.
Variant type: Deletion.
Coding change: c.1690del on transcript NM_002485.5 (MANE Select); coding-DNA position 1690, one base deleted (G; older notation c.1690delG).
Protein change: p.Glu564fs; shifts the reading frame from glutamic acid 564.
Molecular consequence: frameshift variant.
Genome position (GRCh38, 1-based): chr8:89,953,399, C deleted on the plus strand (G on the coding strand, the reverse complement: NBN is on the minus strand); the first of 2 consecutive C bases (chr8:89,953,399-89,953,400); deleting either gives the same sequence. VCF-style (leftmost placement, unchanged base first): chr8-89953398-TC-T. GRCh37 (hg19) VCF-style: chr8-90965626-TC-T.
Other names: c.1444del, p.Glu482fs (NM_001024688.3); c.1690delG (NM_002485.4); short protein forms E482fs, E564fs.
Identifiers: ClinVar variation 1778130 (VCV001778130.2), dbSNP rs2488230389, ClinGen allele CA2580079007.

ClinVar aggregate classification (germline): Pathogenic (1 of 4 stars; one submission).

Conditions:
Hereditary cancer-predisposing syndrome. Also called: Neoplastic Syndromes, Hereditary; Tumor predisposition; Hereditary Cancer Syndrome; Hereditary neoplastic syndrome. Identifiers: Orphanet 140162, MedGen C0027672, MeSH D009386, MONDO:0015356.

Submission:

Ambry Genetics
Classification: Pathogenic for Hereditary cancer-predisposing syndrome. Last evaluated: 2022-03-21. Review status: criteria provided, single submitter. Criteria: Ambry Variant Classification Scheme 2023. Collection method: clinical testing. Allele origin: germline.
Comment: The c.1690delG pathogenic mutation, located in coding exon 11 of the NBN gene, results from a deletion of one nucleotide at nucleotide position 1690, causing a translational frameshift with a predicted alternate stop codon (p.E564Nfs*11). This variant is considered to be rare based on population cohorts in the Genome Aggregation Database (gnomAD). This alteration is expected to result in loss of function by premature protein truncation or nonsense-mediated mRNA decay. As such, this alteration is interpreted as a disease-causing mutation.